The following is an entry in ClinVar:

ClinVar aggregate classification (germline): Uncertain significance (1 of 4 stars; one submission).

Submission:

GeneDx
Classification: Uncertain significance. Last evaluated: 2025-08-01. Review status: criteria provided, single submitter. Criteria: GeneDx Variant Classification Process June 2021. Collection method: clinical testing. Allele origin: germline. Affected: yes.
Comment: Not observed at significant frequency in large population cohorts (gnomAD); In silico analysis supports that this missense variant has a deleterious effect on protein structure/function; Has not been previously published as pathogenic or benign to our knowledge

NM_003491.4(NAA10):c.406A>G (p.Lys136Glu)

Gene: NAA10 (N-alpha-acetyltransferase 10, NatA catalytic subunit; minus strand). Cytogenetic location: Xq28.
Variant type: single nucleotide variant.
Coding change: c.406A>G on transcript NM_003491.4 (MANE Select); coding-DNA position 406, A replaced by G.
Protein change: p.Lys136Glu; replaces lysine 136 with glutamic acid.
Molecular consequence: missense variant.
Genome position (GRCh38, 1-based): chrX:153,930,828, T>C on the plus strand (A>G on the coding strand, the complement: NAA10 is on the minus strand). VCF-style: chrX-153930828-T-C. GRCh37 (hg19) VCF-style: chrX-153196281-T-C.
Other names: c.361A>G, p.Lys121Glu (NM_001256119.2); c.388A>G, p.Lys130Glu (NM_001256120.2); short protein forms K121E, K130E, K136E.
Identifiers: ClinVar variation 4690007 (VCV004690007.1).
Genomic context (GRCh38, chrX:153,930,828, plus strand): 5'-CGGCCATCTGAGTGAGGTCCCGCTTCATGGCATAGGCGTCCTCCCCATCTGCATAGTATT[T>C]GGGCTCCACTTCACTGATCCTGGGGGCAGAGGGTTAGAGAGCAAGGAGGAAGACCTGTAT-3'
Protein context (NP_003482.1, residues 126-146): LNFQISEVEP[Lys136Glu]YYADGEDAYA